The following is an entry in ClinVar:

NM_021971.4(GMPPB):c.790C>T (p.Gln264Ter)

Gene: GMPPB (GDP-mannose pyrophosphorylase B; minus strand). Cytogenetic location: 3p21.31.
Variant type: single nucleotide variant.
Coding change: c.790C>T on transcript NM_021971.4 (MANE Select); coding-DNA position 790, C replaced by T.
Protein change: p.Gln264Ter; replaces glutamine 264 with a stop codon.
Molecular consequence: nonsense.
Genome position (GRCh38, 1-based): chr3:49,722,126, G>A on the plus strand (C>T on the coding strand, the complement: GMPPB is on the minus strand). VCF-style: chr3-49722126-G-A. GRCh37 (hg19) VCF-style: chr3-49759559-G-A.
Other names: c.790C>T, p.Gln264Ter (NM_013334.4); short protein forms Q264*.
Identifiers: ClinVar variation 571713 (VCV000571713.6), dbSNP rs763971677, ClinGen allele CA2405433.

ClinVar aggregate classification (germline): Pathogenic (1 of 4 stars; one submission).

Conditions:
Muscular dystrophy-dystroglycanopathy (congenital with brain and eye anomalies), type A14. Also called: Congenital Muscular Dystrophy-Dystroglycanopathy with Brain and Eye Anomalies Type A 14; Congenital muscular dystrophy-dystroglycanopathy with brain and eye anomalies, type A14; Muscular dystrophy-dystroglycanopathy (congenital with brain and eye anomalies), type a, 14; WALKER-WARBURG SYNDROME OR MUSCLE-EYE-BRAIN DISEASE, GMPPB-RELATED. Identifiers: Orphanet 588, MedGen C3809216, MONDO:0014140, OMIM 615350.
Muscular dystrophy-dystroglycanopathy (congenital with impaired intellectual development), type B, 14. Also called: Congenital muscular dystrophy-dystroglycanopathy with mental retardation, type B14; MUSCULAR DYSTROPHY, CONGENITAL, GMPPB-RELATED; Muscular dystrophy-dystroglycanopathy (congenital with intellectual disability), type B14. Identifiers: MedGen C3809221, MONDO:0014141, OMIM 615351.
Autosomal recessive limb-girdle muscular dystrophy type 2T. Also called: Limb-girdle muscular dystrophy-dystroglycanopathy, type C14; Muscular dystrophy-dystroglycanopathy (limb-girdle), type c, 14; MUSCULAR DYSTROPHY-DYSTROGLYCANOPATHY, LIMB-GIRDLE, GMPPB-RELATED; MUSCULAR DYSTROPHY, LIMB-GIRDLE, TYPE 2T. Identifiers: Orphanet 363623, MedGen C4518000, MONDO:0014142, OMIM 615352.

Allele frequency attached by ClinVar (database versions not stated): ExAC below 0.00001; TOPMed below 0.00001; gnomAD exomes below 0.00001.
gnomAD v4.1: 3 of 1,612,006 alleles (0.00019%); highest among the groups gnomAD compares: Non-Finnish European, 0.00017%; no homozygotes.

Submission:

Labcorp Genetics (formerly Invitae), Labcorp
Classification: Pathogenic for Autosomal recessive limb-girdle muscular dystrophy type 2T; Muscular dystrophy-dystroglycanopathy (congenital with brain and eye anomalies), type A14; Muscular dystrophy-dystroglycanopathy (congenital with impaired intellectual development), type B, 14. Last evaluated: 2025-10-24. Review status: criteria provided, single submitter. Criteria: Invitae Variant Classification Sherloc (09022015). Collection method: clinical testing. Allele origin: germline.
Comment: This sequence change creates a premature translational stop signal (p.Gln264*) in the GMPPB gene. It is expected to result in an absent or disrupted protein product. Loss-of-function variants in GMPPB are known to be pathogenic (PMID: 23768512, 26310427). This variant is present in population databases (rs763971677, gnomAD 0.0009%). This premature translational stop signal has been observed in individual(s) with GMPPB-related conditions (PMID: 25770200). In at least one individual the data is consistent with being in trans (on the opposite chromosome) from a pathogenic variant. It has also been observed to segregate with disease in related individuals. ClinVar contains an entry for this variant (Variation ID: 571713). For these reasons, this variant has been classified as Pathogenic.

Literature cited by the submitters: PubMed 23768512; PubMed 26310427; PubMed 25770200.